The following is an entry in ClinVar:

NM_022489.4(INF2):c.3206_3207inv (p.Pro1069Leu)

Gene: INF2 (inverted formin 2; plus strand). Cytogenetic location: 14q32.33.
Variant type: Inversion.
Coding change: c.3206_3207inv on transcript NM_022489.4 (MANE Select).
Protein change: p.Pro1069Leu; replaces proline 1069 with leucine.
Molecular consequence: missense variant.
Genome position: GRCh38 VCF-style: chr14-104714368-CA-TG. GRCh37 (hg19) VCF-style: chr14-105180705-CA-TG.
Other names: p.Pro1069Leu; c.3206_3207inv, p.Pro1069Leu (NM_001031714.4); c.3206_3207delinsTG (NM_022489.4); short protein forms P1069L.
Identifiers: ClinVar variation 847221 (VCV000847221.12), ClinGen allele CA916083404.

ClinVar aggregate classification (germline): Uncertain significance. Review status: criteria provided, multiple submitters, no conflicts (2 of 4 stars). 3 submissions from 3 submitters: Uncertain significance (3). Last evaluated 2026-01-12.

Conditions:
Focal segmental glomerulosclerosis 5 (FSGS5). Identifiers: Orphanet 656, MedGen C2750475, MONDO:0013191, OMIM 613237.
Charcot-Marie-Tooth disease dominant intermediate E. Also called: CHARCOT-MARIE-TOOTH NEUROPATHY WITH FOCAL SEGMENTAL GLOMERULONEPHRITIS. Identifiers: Orphanet 93114, MedGen C4302667, MONDO:0013758, OMIM 614455.

Submissions (3):

GeneDx
Classification: Uncertain significance. Last evaluated: 2026-01-12. Review status: criteria provided, single submitter. Criteria: GeneDx Variant Classification Process June 2021. Collection method: clinical testing. Allele origin: germline. Affected: yes.
Comment: In silico analysis supports a deleterious effect on protein structure/function; Has not been previously published as pathogenic or benign to our knowledge

Labcorp Genetics (formerly Invitae), Labcorp
Classification: Uncertain significance for Charcot-Marie-Tooth disease dominant intermediate E; Focal segmental glomerulosclerosis 5. Last evaluated: 2025-04-08. Review status: criteria provided, single submitter. Criteria: Invitae Variant Classification Sherloc (09022015). Collection method: clinical testing. Allele origin: germline.
Comment: This sequence change replaces proline, which is neutral and non-polar, with leucine, which is neutral and non-polar, at codon 1069 of the INF2 protein (p.Pro1069Leu). This variant is present in population databases (no rsID available, gnomAD 0.004%). This variant has not been reported in the literature in individuals affected with INF2-related conditions. ClinVar contains an entry for this variant (Variation ID: 847221). An algorithm developed to predict the effect of missense changes on protein structure and function outputs the following: PolyPhen-2: "Not Available". The leucine amino acid residue is found in multiple mammalian species, which suggests that this missense change does not adversely affect protein function. In summary, the available evidence is currently insufficient to determine the role of this variant in disease. Therefore, it has been classified as a Variant of Uncertain Significance.

Mayo Clinic Laboratories, Mayo Clinic
Classification: Uncertain significance. Last evaluated: 2023-09-20. Review status: criteria provided, single submitter. Criteria: ACMG Guidelines, 2015. Collection method: clinical testing. Allele origin: germline. Observed: 1 variant allele.
Comment: BP4, PM2_moderate